The following is an entry in ClinVar:

NM_001024613.4(FEZF1):c.188A>G (p.His63Arg)

Genes: FEZF1 (FEZ family zinc finger 1; minus strand), FEZF1-AS1 (FEZF1 antisense RNA 1; plus strand). Cytogenetic location: 7q31.32.
Variant type: single nucleotide variant.
Coding change: c.188A>G on transcript NM_001024613.4 (MANE Select); coding-DNA position 188, A replaced by G.
Protein change: p.His63Arg; replaces histidine 63 with arginine.
Molecular consequence: missense variant. On other transcripts: non-coding transcript variant (1).
Genome position (GRCh38, 1-based): chr7:122,304,250, T>C on the plus strand (A>G on the coding strand, the complement: FEZF1 is on the minus strand). VCF-style: chr7-122304250-T-C. GRCh37 (hg19) VCF-style: chr7-121944304-T-C.
Other names: c.188A>G, p.His63Arg (NM_001160264.3); short protein forms H63R.
Identifiers: ClinVar variation 2103848 (VCV002103848.4), dbSNP rs1221347151, ClinGen allele CA369035984.

ClinVar aggregate classification (germline): Uncertain significance (1 of 4 stars; one submission).

Allele frequency attached by ClinVar (database versions not stated): TOPMed below 0.00001.
gnomAD v4.1: 6 of 1,603,174 alleles (0.00037%); highest among the groups gnomAD compares: South Asian, 0.0011%; no homozygotes.

Submission:

Labcorp Genetics (formerly Invitae), Labcorp
Classification: Uncertain significance. Last evaluated: 2022-03-04. Review status: criteria provided, single submitter. Criteria: Invitae Variant Classification Sherloc (09022015). Collection method: clinical testing. Allele origin: germline.
Comment: This sequence change replaces histidine, which is basic and polar, with arginine, which is basic and polar, at codon 63 of the FEZF1 protein (p.His63Arg). This variant is not present in population databases (gnomAD no frequency). This variant has not been reported in the literature in individuals affected with FEZF1-related conditions. Algorithms developed to predict the effect of missense changes on protein structure and function (SIFT, PolyPhen-2, Align-GVGD) all suggest that this variant is likely to be tolerated. In summary, the available evidence is currently insufficient to determine the role of this variant in disease. Therefore, it has been classified as a Variant of Uncertain Significance.